The following is an entry in ClinVar:

NM_000098.3(CPT2):c.969_970del (p.Phe323fs)

Gene: CPT2 (carnitine palmitoyltransferase 2; plus strand). Cytogenetic location: 1p32.3.
Variant type: Deletion.
Coding change: c.969_970del on transcript NM_000098.3 (MANE Select); coding-DNA positions 969 to 970, 2 bases deleted (CT; older notation c.969_970delCT).
Protein change: p.Phe323fs; shifts the reading frame from phenylalanine 323.
Molecular consequence: frameshift variant.
Genome position (GRCh38, 1-based): chr1:53,210,643-53,210,644, CT deleted; deleting any 2 consecutive bases within chr1:53,210,642-53,210,644 gives the same sequence; the c. name uses the placement nearest the transcript's 3' end. VCF-style (leftmost placement, unchanged base first): chr1-53210641-TTC-T. GRCh37 (hg19) VCF-style: chr1-53676313-TTC-T.
Other names: c.969_970del, p.Phe323fs (NM_001330589.2); short protein forms F323fs.
Identifiers: ClinVar variation 5003214 (VCV005003214.1).

ClinVar aggregate classification (germline): Pathogenic (1 of 4 stars; one submission).

Conditions:
Carnitine palmitoyltransferase II deficiency. Also called: Carnitine Palmitoyltransferase 2 Deficiency. Identifiers: Orphanet 157, MedGen C0342790, MONDO:0015515.

Submission:

Myriad Genetics, Inc.
Classification: Pathogenic for Carnitine palmitoyltransferase II deficiency. Last evaluated: 2025-07-23. Review status: criteria provided, single submitter. Criteria: Myriad Autosomal Dominant, Autosomal Recessive and X-Linked Classification Criteria (2023). Collection method: clinical testing. Allele origin: unknown.
Comment: NM_000098.2(CPT2):c.969_970delCT(F323Lfs*6) is a frameshift variant classified as pathogenic in the context of carnitine palmitoyltransferase II deficiency. F323Lfs*6 has been observed in a case with relevant disease (PMID: 28649538). Relevant functional assessments of this variant are not available in the literature. F323Lfs*6 has not been observed in referenced population frequency databases. In summary, NM_000098.2(CPT2):c.969_970delCT(F323Lfs*6) is a frameshift variant in a gene where loss of function is a known mechanism of disease, is predicted to disrupt protein function, and has been observed more frequently in cases with the relevant disease than in healthy populations. Please note: this variant was assessed in the context of healthy population screening.

Literature cited by the submitters: PubMed 28649538.